The following is an entry in ClinVar:

ClinVar aggregate classification (germline): Uncertain significance. Review status: criteria provided, multiple submitters, no conflicts (2 of 4 stars). 2 submissions from 2 submitters: Uncertain significance (2). Last evaluated 2023-11-09.

Conditions:
Inborn genetic diseases. Identifiers: MedGen C0950123, MeSH D030342.

gnomAD v4.1: 1 of 1,479,546 alleles (0.000068%); highest among the groups gnomAD compares: Admixed American, 0.0024%; no homozygotes.

Submissions (2):

Ambry Genetics
Classification: Uncertain significance for Inborn genetic diseases. Last evaluated: 2023-11-09. Review status: criteria provided, single submitter. Criteria: Ambry Variant Classification Scheme 2023. Collection method: clinical testing. Allele origin: germline.

Labcorp Genetics (formerly Invitae), Labcorp
Classification: Uncertain significance. Last evaluated: 2021-12-02. Review status: criteria provided, single submitter. Criteria: Invitae Variant Classification Sherloc (09022015). Collection method: clinical testing. Allele origin: germline.
Comment: This sequence change replaces glycine, which is neutral and non-polar, with arginine, which is basic and polar, at codon 38 of the NDUFAF6 protein (p.Gly38Arg). This variant is not present in population databases (gnomAD no frequency). This variant has not been reported in the literature in individuals affected with NDUFAF6-related conditions. Algorithms developed to predict the effect of missense changes on protein structure and function (SIFT, PolyPhen-2, Align-GVGD) all suggest that this variant is likely to be tolerated. In summary, the available evidence is currently insufficient to determine the role of this variant in disease. Therefore, it has been classified as a Variant of Uncertain Significance.

NM_152416.4(NDUFAF6):c.112G>C (p.Gly38Arg)

Genes: NDUFAF6 (NADH:ubiquinone oxidoreductase complex assembly factor 6; plus strand), LOC113788297 (Sharpr-MPRA regulatory region 2014; plus strand). Cytogenetic location: 8q22.1.
Variant type: single nucleotide variant.
Coding change: c.112G>C on transcript NM_152416.4 (MANE Select); coding-DNA position 112, G replaced by C.
Protein change: p.Gly38Arg; replaces glycine 38 with arginine.
Molecular consequence: missense variant. On other transcripts: 5 prime UTR variant (12), non-coding transcript variant (6), intron variant (7).
Genome position (GRCh38, 1-based): chr8:95,025,120, G>C. VCF-style: chr8-95025120-G-C. GRCh37 (hg19) VCF-style: chr8-96037348-G-C.
Other names: c.-169G>C (NM_001330582.2, NM_001354521.2); c.-122G>C (NM_001354517.2); c.-341G>C (NM_001354518.2); c.-337G>C (NM_001354519.2); c.-686G>C (NM_001354527.2); c.-657G>C (NM_001354528.2); c.-469G>C (NM_001354529.2); c.-571G>C (NM_001354530.2); and 9 more; short protein forms G38R.
Identifiers: ClinVar variation 1374079 (VCV001374079.7), dbSNP rs1827932905, ClinGen allele CA371742736.